The following is an entry in ClinVar:

ClinVar aggregate classification (germline): Conflicting classifications of pathogenicity. Review status: criteria provided, conflicting classifications (1 of 4 stars). 7 submissions from 7 submitters: Uncertain significance (2); Likely benign (5). Last evaluated 2025-10-30.

Conditions:
ASTN2-related disorder. Also called: ASTN2-related condition.

Allele frequency attached by ClinVar (database versions not stated): gnomAD 0.00048 and 0.00053; ESP Exome Variant Server 0.00062; TOPMed 0.00063.
gnomAD v4.1: 177 of 1,614,048 alleles (0.011%); highest among the groups gnomAD compares: African/African-American, 0.21%; 1 homozygote.

Submissions (7):

Mayo Clinic Laboratories, Mayo Clinic
Classification: Likely benign. Last evaluated: 2025-10-30. Review status: criteria provided, single submitter. Criteria: ACMG Guidelines, 2015. Collection method: clinical testing. Allele origin: germline. Observed: 2 variant alleles.
Comment: BP4, BP7

PreventionGenetics, part of Exact Sciences
Classification: Likely benign for ASTN2-related condition. Last evaluated: 2025-04-15. Review status: criteria provided, single submitter. Criteria: ACMG Guidelines, 2015. Collection method: clinical testing. Allele origin: germline.
Comment: This variant is classified as likely benign based on ACMG/AMP sequence variant interpretation guidelines (Richards et al. 2015 PMID: 25741868, with internal and published modifications).

GeneDx
Classification: Likely benign. Last evaluated: 2024-08-15. Review status: criteria provided, single submitter. Criteria: GeneDx Variant Classification Process June 2021. Collection method: clinical testing. Allele origin: germline. Affected: yes.
Comment: See Variant Classification Assertion Criteria.

Revvity Omics, Revvity
Classification: Likely benign. Last evaluated: 2024-03-18. Review status: criteria provided, single submitter. Criteria: ACMG Guidelines, 2015. Collection method: clinical testing. Allele origin: germline.

Blueprint Genetics
Classification: Likely benign. Last evaluated: 2022-04-08. Review status: criteria provided, single submitter. Criteria: ACMG Guidelines, 2015. Collection method: clinical testing. Allele origin: germline.

Athena Diagnostics
Classification: Uncertain significance. Last evaluated: 2018-02-28. Review status: criteria provided, single submitter. Criteria: Athena Diagnostics Criteria. Collection method: clinical testing. Allele origin: germline.

Eurofins Ntd Llc (ga)
Classification: Uncertain significance. Last evaluated: 2017-11-27. Review status: criteria provided, single submitter. Criteria: EGL Classification Definitions 2015. Collection method: clinical testing. Allele origin: germline. Observed: 4 variant alleles, 4 heterozygotes.

NM_012210.4(TRIM32):c.*1G>A

Genes: ASTN2 (astrotactin 2; minus strand), TRIM32 (tripartite motif containing 32; plus strand). Cytogenetic location: 9q33.1.
Variant type: single nucleotide variant.
Coding change: c.*1G>A on transcript NM_012210.4 (MANE Select); 1 bases downstream of the stop codon, G replaced by A.
Molecular consequence: 3 prime UTR variant. On other transcripts: intron variant (3).
Genome position (GRCh38, 1-based): chr9:116,699,705, G>A. VCF-style: chr9-116699705-G-A. GRCh37 (hg19) VCF-style: chr9-119461984-G-A.
Other names: c.2653+26066C>T (NM_014010.4, NM_014010.5); c.*1G>A (NM_001099679.2, NM_001379048.1, NM_001379049.1 and 1 more transcripts); c.2794+26066C>T (NM_001365069.1); c.2806+26066C>T (NM_001365068.1).
Identifiers: ClinVar variation 95493 (VCV000095493.16), dbSNP rs142781513, ClinGen allele CA223028.